The following is an entry in ClinVar:

ClinVar aggregate classification (germline): Uncertain significance. Review status: criteria provided, multiple submitters, no conflicts (2 of 4 stars). 2 submissions from 2 submitters: Uncertain significance (2). Last evaluated 2025-09-04.

Conditions:
Fanconi anemia complementation group P. Also called: SLX4-Related Fanconi Anemia. Identifiers: Orphanet 84, MedGen C3469542, MONDO:0013499, OMIM 613951.
Fanconi anemia (FA). Also called: Fanconi's anemia. Identifiers: Orphanet 84, MedGen C0015625, MeSH D005199, MONDO:0019391.

Allele frequency attached by ClinVar (database versions not stated): gnomAD exomes below 0.00001 and 0.00001; ExAC 0.00001; TOPMed 0.00001.
gnomAD v4.1: 18 of 1,613,900 alleles (0.0011%); highest among the groups gnomAD compares: Admixed American, 0.0033%; no homozygotes.

Submissions (2):

Labcorp Genetics (formerly Invitae), Labcorp
Classification: Uncertain significance for Fanconi anemia. Last evaluated: 2025-09-04. Review status: criteria provided, single submitter. Criteria: Invitae Variant Classification Sherloc (09022015). Collection method: clinical testing. Allele origin: germline.
Comment: This sequence change replaces arginine, which is basic and polar, with tryptophan, which is neutral and slightly polar, at codon 372 of the SLX4 protein (p.Arg372Trp). The frequency data for this variant in the population databases is considered unreliable, as metrics indicate poor data quality at this position in the gnomAD database. This missense change has been observed in individual(s) with breast cancer (PMID: 23211700). ClinVar contains an entry for this variant (Variation ID: 575412). An algorithm developed to predict the effect of missense changes on protein structure and function (PolyPhen-2) suggests that this variant is likely to be disruptive. In summary, the available evidence is currently insufficient to determine the role of this variant in disease. Therefore, it has been classified as a Variant of Uncertain Significance.

Fulgent Genetics
Classification: Uncertain significance for Fanconi anemia complementation group P. Last evaluated: 2024-04-30. Review status: criteria provided, single submitter. Criteria: ACMG Guidelines, 2015. Collection method: clinical testing. Allele origin: germline.

Literature cited by the submitters: PubMed 23211700 (cited by Labcorp Genetics (formerly Invitae), Labcorp).

NM_032444.4(SLX4):c.1114C>T (p.Arg372Trp)

Gene: SLX4 (SLX4 structure-specific endonuclease subunit; minus strand). Cytogenetic location: 16p13.3.
Variant type: single nucleotide variant.
Coding change: c.1114C>T on transcript NM_032444.4 (MANE Select); coding-DNA position 1114, C replaced by T.
Protein change: p.Arg372Trp; replaces arginine 372 with tryptophan.
Molecular consequence: missense variant.
Genome position (GRCh38, 1-based): chr16:3,601,028, G>A on the plus strand (C>T on the coding strand, the complement: SLX4 is on the minus strand). VCF-style: chr16-3601028-G-A. GRCh37 (hg19) VCF-style: chr16-3651029-G-A.
Other names: c.1114C>T (LRG_503t1); short protein forms R372W.
Identifiers: ClinVar variation 575412 (VCV000575412.9), dbSNP rs781393524, ClinGen allele CA7866639.